The following is an entry in ClinVar:

ClinVar aggregate classification (germline): Uncertain significance. Review status: criteria provided, multiple submitters, no conflicts (2 of 4 stars). 2 submissions from 2 submitters: Uncertain significance (2). Last evaluated 2025-01-08.

Conditions:
Hereditary cancer-predisposing syndrome. Also called: Neoplastic Syndromes, Hereditary; Tumor predisposition; Hereditary neoplastic syndrome; Hereditary Cancer Syndrome. Identifiers: Orphanet 140162, MedGen C0027672, MeSH D009386, MONDO:0015356.
Rhabdoid tumor predisposition syndrome 2 (RTPS2). Identifiers: Orphanet 231108, Orphanet 69077, MedGen C2750074, MONDO:0013224, OMIM 613325.

Submissions (2):

Ambry Genetics
Classification: Uncertain significance for Hereditary cancer-predisposing syndrome. Last evaluated: 2025-01-08. Review status: criteria provided, single submitter. Criteria: Ambry Variant Classification Scheme 2023. Collection method: clinical testing. Allele origin: germline.
Comment: The p.T899S variant (also known as c.2695A>T), located in coding exon 18 of the SMARCA4 gene, results from an A to T substitution at nucleotide position 2695. The threonine at codon 899 is replaced by serine, an amino acid with similar properties. This amino acid position is conserved. In addition, the in silico prediction for this alteration is inconclusive. Based on the available evidence, the clinical significance of this variant remains unclear.

Labcorp Genetics (formerly Invitae), Labcorp
Classification: Uncertain significance for Rhabdoid tumor predisposition syndrome 2. Last evaluated: 2023-11-05. Review status: criteria provided, single submitter. Criteria: Invitae Variant Classification Sherloc (09022015). Collection method: clinical testing. Allele origin: germline.
Comment: This sequence change replaces threonine, which is neutral and polar, with serine, which is neutral and polar, at codon 899 of the SMARCA4 protein (p.Thr899Ser). This variant is not present in population databases (gnomAD no frequency). This variant has not been reported in the literature in individuals affected with SMARCA4-related conditions. ClinVar contains an entry for this variant (Variation ID: 1353408). Advanced modeling of protein sequence and biophysical properties (such as structural, functional, and spatial information, amino acid conservation, physicochemical variation, residue mobility, and thermodynamic stability) has been performed at Invitae for this missense variant, however the output from this modeling did not meet the statistical confidence thresholds required to predict the impact of this variant on SMARCA4 protein function. In summary, the available evidence is currently insufficient to determine the role of this variant in disease. Therefore, it has been classified as a Variant of Uncertain Significance.

NM_003072.5(SMARCA4):c.2695A>T (p.Thr899Ser)

Gene: SMARCA4 (SWI/SNF related BAF chromatin remodeling complex subunit ATPase 4; plus strand). Cytogenetic location: 19p13.2.
Variant type: single nucleotide variant.
Coding change: c.2695A>T on transcript NM_003072.5 (MANE Select); coding-DNA position 2695, A replaced by T.
Protein change: p.Thr899Ser; replaces threonine 899 with serine.
Molecular consequence: missense variant. On other transcripts: non-coding transcript variant (1).
Genome position (GRCh38, 1-based): chr19:11,021,803, A>T. VCF-style: chr19-11021803-A-T. GRCh37 (hg19) VCF-style: chr19-11132479-A-T.
Other names: c.2695A>T, p.Thr899Ser (NM_001128844.3, NM_001128845.2, NM_001128846.2 and 5 more transcripts); c.2695A>T (NM_001128849.1); short protein forms T899S.
Identifiers: ClinVar variation 1353408 (VCV001353408.7), dbSNP rs2146417780, ClinGen allele CA404056045.